The following is an entry in ClinVar:

NM_001458.5(FLNC):c.7780+3G>C

Genes: FLNC (filamin C; plus strand), FLNC-AS1 (FLNC antisense RNA 1; minus strand). Cytogenetic location: 7q32.1.
Variant type: single nucleotide variant.
Coding change: c.7780+3G>C on transcript NM_001458.5 (MANE Select); 3 bases into the intron after coding-DNA position 7780, G replaced by C.
Molecular consequence: intron variant.
Genome position (GRCh38, 1-based): chr7:128,857,339, G>C. VCF-style: chr7-128857339-G-C. GRCh37 (hg19) VCF-style: chr7-128497393-G-C.
Other names: c.7681+3G>C (NM_001127487.2).
Identifiers: ClinVar variation 2025437 (VCV002025437.4), dbSNP rs1480545618, ClinGen allele CA2580076607.

ClinVar aggregate classification (germline): Uncertain significance (1 of 4 stars; one submission).

Conditions:
Myofibrillar myopathy 5. Also called: Filaminopathy (type); FILAMINOPATHY, AUTOSOMAL DOMINANT. Identifiers: Orphanet 171445, MedGen C1836050, MONDO:0012289, OMIM 609524.
Hypertrophic cardiomyopathy 26. Also called: Cardiomyopathy, familial hypertrophic, 26. Identifiers: Orphanet 75249, MedGen C4310749, MONDO:0014883, OMIM 617047.
Distal myopathy with posterior leg and anterior hand involvement. Also called: WILLIAMS DISTAL MYOPATHY. Identifiers: Orphanet 63273, MedGen C3279722, MONDO:0013550, OMIM 614065.

Submission:

Labcorp Genetics (formerly Invitae), Labcorp
Classification: Uncertain significance for Distal myopathy with posterior leg and anterior hand involvement; Myofibrillar myopathy 5; Hypertrophic cardiomyopathy 26. Last evaluated: 2022-08-21. Review status: criteria provided, single submitter. Criteria: Invitae Variant Classification Sherloc (09022015). Collection method: clinical testing. Allele origin: germline.
Comment: This variant has not been reported in the literature in individuals affected with FLNC-related conditions. In summary, the available evidence is currently insufficient to determine the role of this variant in disease. Therefore, it has been classified as a Variant of Uncertain Significance. Variants that disrupt the consensus splice site are a relatively common cause of aberrant splicing (PMID: 17576681, 9536098). Algorithms developed to predict the effect of sequence changes on RNA splicing suggest that this variant may create or strengthen a splice site. This variant is not present in population databases (gnomAD no frequency). This sequence change falls in intron 46 of the FLNC gene. It does not directly change the encoded amino acid sequence of the FLNC protein. It affects a nucleotide within the consensus splice site.

Literature cited by the submitters: PubMed 17576681; PubMed 9536098.